The following is an entry in ClinVar:

ClinVar aggregate classification (germline): Uncertain significance (1 of 4 stars; one submission).

Conditions:
ALG8 congenital disorder of glycosylation. Also called: ALG8-CDG; CONGENITAL DISORDER OF GLYCOSYLATION, TYPE Ih; CDG Ih. Identifiers: Orphanet 79325, MedGen C2931002, MONDO:0011969, OMIM 608104.

gnomAD v4.1: 2 of 1,614,144 alleles (0.00012%); highest among the groups gnomAD compares: South Asian, 0.0011%; no homozygotes.

Submission:

Labcorp Genetics (formerly Invitae), Labcorp
Classification: Uncertain significance for ALG8 congenital disorder of glycosylation. Last evaluated: 2024-08-14. Review status: criteria provided, single submitter. Criteria: Invitae Variant Classification Sherloc (09022015). Collection method: clinical testing. Allele origin: germline.
Comment: This sequence change replaces lysine, which is basic and polar, with glutamine, which is neutral and polar, at codon 522 of the ALG8 protein (p.Lys522Gln). This variant is present in population databases (rs746950113, gnomAD 0.0009%). This variant has not been reported in the literature in individuals affected with ALG8-related conditions. An algorithm developed to predict the effect of missense changes on protein structure and function (PolyPhen-2) suggests that this variant is likely to be tolerated. In summary, the available evidence is currently insufficient to determine the role of this variant in disease. Therefore, it has been classified as a Variant of Uncertain Significance.

NM_024079.5(ALG8):c.1564A>C (p.Lys522Gln)

Gene: ALG8 (ALG8 alpha-1,3-glucosyltransferase; minus strand). Cytogenetic location: 11q14.1.
Variant type: single nucleotide variant.
Coding change: c.1564A>C on transcript NM_024079.5 (MANE Select); coding-DNA position 1564, A replaced by C.
Protein change: p.Lys522Gln; replaces lysine 522 with glutamine.
Molecular consequence: missense variant. On other transcripts: 3 prime UTR variant (8), non-coding transcript variant (2).
Genome position (GRCh38, 1-based): chr11:78,100,981, T>G on the plus strand (A>C on the coding strand, the complement: ALG8 is on the minus strand). VCF-style: chr11-78100981-T-G. GRCh37 (hg19) VCF-style: chr11-77812027-T-G.
Other names: c.*235A>C (NM_001007027.3, NM_001425236.1, NM_001425237.1 and 1 more transcripts); c.1567A>C, p.Lys523Gln (NM_001425219.1); c.1549A>C, p.Lys517Gln (NM_001425220.1); c.1489A>C, p.Lys497Gln (NM_001425221.1); c.1588A>C, p.Lys530Gln (NM_001425222.1); c.1558A>C, p.Lys520Gln (NM_001425223.1); c.1657A>C, p.Lys553Gln (NM_001425224.1); c.1612A>C, p.Lys538Gln (NM_001425225.1); and 14 more; short protein forms K358Q, K434Q, K455Q, K464Q, K523Q, K553Q, K350Q, K394Q.
Identifiers: ClinVar variation 3662273 (VCV003662273.2).